The following is an entry in ClinVar:

ClinVar aggregate classification (germline): Uncertain significance (1 of 4 stars; one submission).

Submission:

Labcorp Genetics (formerly Invitae), Labcorp
Classification: Uncertain significance. Last evaluated: 2025-06-16. Review status: criteria provided, single submitter. Criteria: Invitae Variant Classification Sherloc (09022015). Collection method: clinical testing. Allele origin: germline.
Comment: This variant, c.2439_2444dup, results in the insertion of 2 amino acid(s) of the CACNA1F protein (p.Glu824_Glu825dup), but otherwise preserves the integrity of the reading frame. The frequency data for this variant in the population databases is considered unreliable, as metrics indicate poor data quality at this position in the gnomAD database. This variant has not been reported in the literature in individuals affected with CACNA1F-related conditions. Experimental studies and prediction algorithms are not available or were not evaluated, and the functional significance of this variant is currently unknown. In summary, the available evidence is currently insufficient to determine the role of this variant in disease. Therefore, it has been classified as a Variant of Uncertain Significance.

NM_001256789.3(CACNA1F):c.2391GGA[9] (p.Glu813_Glu814dup)

Gene: CACNA1F (calcium voltage-gated channel subunit alpha1 F; minus strand). Cytogenetic location: Xp11.23.
Variant type: Microsatellite.
Coding change: c.2391GGA[9] on transcript NM_001256789.3 (MANE Select); nine copies in a row of the 3-base unit GGA starting at c.2391; the reference has seven copies in a row; two copies, 6 bases duplicated.
Protein change: p.Glu813_Glu814dup.
Molecular consequence: inframe insertion.
Genome position (GRCh38, 1-based): chrX:49,219,766-49,219,771, TCCTCC duplicated on the plus strand (GGAGGA on the coding strand, the reverse complement: CACNA1F is on the minus strand); duplicating any 6 consecutive bases within chrX:49,219,766-49,219,786 gives the same sequence; the position shown is the placement nearest the transcript's 3' end. VCF-style (leftmost placement, unchanged base first): chrX-49219765-T-TTCCTCC. GRCh37 (hg19) VCF-style: chrX-49076224-T-TTCCTCC.
Other names: c.2229GGA[9], p.Glu759_Glu760dup (NM_001256790.3); c.2424GGA[9], p.Glu824_Glu825dup (NM_005183.4).
Identifiers: ClinVar variation 1020784 (VCV001020784.8), dbSNP rs112450928, ClinGen allele CA10410673.
Genomic context (GRCh38, chrX:49,219,765, plus strand): 5'-TTCCTGCAGGAGTTCCACACCCCCTGCACCCTCTTCCTCTTCTTCCTCTTCTTCCTCTTC[T>TTCCTCC]TCCTCCTCCTCCTCCTCCTCCATGTCTGGCACCAGAGAAAAGCAAAAAAAAATTAATTGA-3'